The following is an entry in ClinVar:

NM_006516.4(SLC2A1):c.738A>C (p.Glu246Asp)

Gene: SLC2A1 (solute carrier family 2 member 1; minus strand). Cytogenetic location: 1p34.2.
Variant type: single nucleotide variant.
Coding change: c.738A>C on transcript NM_006516.4 (MANE Select); coding-DNA position 738, A replaced by C.
Protein change: p.Glu246Asp; replaces glutamic acid 246 with aspartic acid.
Molecular consequence: missense variant.
Genome position (GRCh38, 1-based): chr1:42,929,722, T>G on the plus strand (A>C on the coding strand, the complement: SLC2A1 is on the minus strand). VCF-style: chr1-42929722-T-G. GRCh37 (hg19) VCF-style: chr1-43395393-T-G.
Other names: c.738A>C (NM_006516.2); short protein forms E246D.
Identifiers: ClinVar variation 2772243 (VCV002772243.4), dbSNP rs2524992571, ClinGen allele CA339958022.

ClinVar aggregate classification (germline): Uncertain significance. Review status: criteria provided, multiple submitters, no conflicts (2 of 4 stars). 2 submissions from 2 submitters: Uncertain significance (2). Last evaluated 2024-03-27.

Conditions:
GLUT1 deficiency syndrome 1, autosomal recessive. Identifiers: MedGen C3149117.

Submissions (2):

GeneDx
Classification: Uncertain significance. Last evaluated: 2024-03-27. Review status: criteria provided, single submitter. Criteria: GeneDx Variant Classification Process June 2021. Collection method: clinical testing. Allele origin: germline. Affected: yes.
Comment: Not observed at significant frequency in large population cohorts (gnomAD); In silico analysis supports that this missense variant does not alter protein structure/function; Has not been previously published as pathogenic or benign to our knowledge

Labcorp Genetics (formerly Invitae), Labcorp
Classification: Uncertain significance for GLUT1 deficiency syndrome 1, autosomal recessive. Last evaluated: 2023-10-28. Review status: criteria provided, single submitter. Criteria: Invitae Variant Classification Sherloc (09022015). Collection method: clinical testing. Allele origin: germline.
Comment: This sequence change replaces glutamic acid, which is acidic and polar, with aspartic acid, which is acidic and polar, at codon 246 of the SLC2A1 protein (p.Glu246Asp). This variant is not present in population databases (gnomAD no frequency). This variant has not been reported in the literature in individuals affected with SLC2A1-related conditions. Advanced modeling of protein sequence and biophysical properties (such as structural, functional, and spatial information, amino acid conservation, physicochemical variation, residue mobility, and thermodynamic stability) has been performed at Invitae for this missense variant, however the output from this modeling did not meet the statistical confidence thresholds required to predict the impact of this variant on SLC2A1 protein function. In summary, the available evidence is currently insufficient to determine the role of this variant in disease. Therefore, it has been classified as a Variant of Uncertain Significance.